The following is an entry in ClinVar:

NM_031885.5(BBS2):c.1161del (p.Ser388fs)

Gene: BBS2 (Bardet-Biedl syndrome 2; minus strand). Cytogenetic location: 16q13.
Variant type: Deletion.
Coding change: c.1161del on transcript NM_031885.5 (MANE Select); coding-DNA position 1161, one base deleted (C; older notation c.1161delC).
Protein change: p.Ser388fs; shifts the reading frame from serine 388.
Molecular consequence: frameshift variant. On other transcripts: non-coding transcript variant (5).
Genome position (GRCh38, 1-based): chr16:56,501,417, G deleted on the plus strand (C on the coding strand, the reverse complement: BBS2 is on the minus strand). VCF-style (leftmost placement, unchanged base first): chr16-56501416-AG-A. GRCh37 (hg19) VCF-style: chr16-56535328-AG-A.
Other names: c.1161del (NM_031885.3); c.1161del, p.Ser388fs (NM_001377456.1); short protein forms S388fs.
Identifiers: ClinVar variation 1452448 (VCV001452448.8), dbSNP rs2144145429, ClinGen allele CA2573152439.

ClinVar aggregate classification (germline): Pathogenic/Likely pathogenic. Review status: criteria provided, multiple submitters, no conflicts (2 of 4 stars). 3 submissions from 3 submitters: Pathogenic (2); Likely pathogenic (1). Last evaluated 2025-11-06.

Conditions:
BBS2-related ciliopathy. Identifiers: MedGen CN378634, MONDO:1040048.
Bardet-Biedl syndrome 2 (BBS2). Identifiers: Orphanet 110, MedGen C2936863, MONDO:0014432, OMIM 615981.
Bardet-Biedl syndrome (BBS). Identifiers: Orphanet 110, MedGen C0752166, MONDO:0015229.

Submissions (3):

Myriad Genetics, Inc.
Classification: Pathogenic for BBS2-related ciliopathy. Last evaluated: 2025-11-06. Review status: criteria provided, single submitter. Criteria: Myriad Autosomal Dominant, Autosomal Recessive and X-Linked Classification Criteria (2023). Collection method: clinical testing. Allele origin: unknown.
Comment: NM_031885.3(BBS2):c.1161delC(S388Qfs*29) is expected to be pathogenic in the context of Bardet-Biedl syndrome, BBS2-related. This variant is predicted to lead to an abnormal or absent protein product due to the creation of a premature termination codon in BBS2, a gene where loss-of-function variants are known to be pathogenic. Please note: this variant was assessed in the context of healthy population screening.

Natera, Inc.
Classification: Likely pathogenic for Bardet-Biedl syndrome type 2. Last evaluated: 2025-07-25. Review status: criteria provided, single submitter. Criteria: Natera Variant Classification Schema (03/2026). Collection method: clinical testing. Allele origin: germline.
Comment: The c.1161del variant in BBS2 is a frameshift variant predicted to shift the reading frame beginning at codon 388 and leads to a stop codon 29 codons downstream. This variant is expected to result in nonsense mediated decay, truncation, or a dysfunctional protein product. This variant is rare in the general population with a frequency below the threshold expected for the associated phenotype(s). Given the available evidence, this variant is classified as Likely Pathogenic.

Labcorp Genetics (formerly Invitae), Labcorp
Classification: Pathogenic for Bardet-Biedl syndrome. Last evaluated: 2021-04-26. Review status: criteria provided, single submitter. Criteria: Invitae Variant Classification Sherloc (09022015). Collection method: clinical testing. Allele origin: germline.
Comment: For these reasons, this variant has been classified as Pathogenic. This variant has not been reported in the literature in individuals with BBS2-related conditions. This variant is not present in population databases (ExAC no frequency). This sequence change creates a premature translational stop signal (p.Ser388Glnfs*29) in the BBS2 gene. It is expected to result in an absent or disrupted protein product. Loss-of-function variants in BBS2 are known to be pathogenic (PMID: 11285252, 20177705, 24608809, 26518167).

Literature cited by the submitters: PubMed 11285252 (cited by Labcorp Genetics (formerly Invitae), Labcorp); PubMed 20177705 (cited by Labcorp Genetics (formerly Invitae), Labcorp); PubMed 24608809 (cited by Labcorp Genetics (formerly Invitae), Labcorp); PubMed 26518167 (cited by Labcorp Genetics (formerly Invitae), Labcorp).